The following is an entry in ClinVar:

NM_001458.5(FLNC):c.5469_5482del (p.Val1824fs)

Genes: FLNC (filamin C; plus strand), FLNC-AS1 (FLNC antisense RNA 1; minus strand). Cytogenetic location: 7q32.1.
Variant type: Deletion.
Coding change: c.5469_5482del on transcript NM_001458.5 (MANE Select); coding-DNA positions 5469 to 5482, 14 bases deleted (GGTGAGGTATGCAC).
Protein change: p.Val1824fs; shifts the reading frame from valine 1824.
Molecular consequence: frameshift variant.
Genome position (GRCh38, 1-based): chr7:128,850,873-128,850,886, GGTGAGGTATGCAC deleted; deleting any 14 consecutive bases within chr7:128,850,870-128,850,886 gives the same sequence; the c. name uses the placement nearest the transcript's 3' end. VCF-style (leftmost placement, unchanged base first): chr7-128850869-TCACGGTGAGGTATG-T. GRCh37 (hg19) VCF-style: chr7-128490923-TCACGGTGAGGTATG-T.
Other names: c.5370_5383del, p.Val1791fs (NM_001127487.2); short protein forms V1791fs, V1824fs.
Identifiers: ClinVar variation 845598 (VCV000845598.8), dbSNP rs1808778979, ClinGen allele CA916082329.

ClinVar aggregate classification (germline): Pathogenic (1 of 4 stars; one submission).

Conditions:
Myofibrillar myopathy 5. Also called: Filaminopathy (type); FILAMINOPATHY, AUTOSOMAL DOMINANT. Identifiers: Orphanet 171445, MedGen C1836050, MONDO:0012289, OMIM 609524.
Distal myopathy with posterior leg and anterior hand involvement. Also called: WILLIAMS DISTAL MYOPATHY. Identifiers: Orphanet 63273, MedGen C3279722, MONDO:0013550, OMIM 614065.
Hypertrophic cardiomyopathy 26. Also called: Cardiomyopathy, familial hypertrophic, 26. Identifiers: Orphanet 75249, MedGen C4310749, MONDO:0014883, OMIM 617047.

Submission:

Labcorp Genetics (formerly Invitae), Labcorp
Classification: Pathogenic for Distal myopathy with posterior leg and anterior hand involvement; Myofibrillar myopathy 5; Hypertrophic cardiomyopathy 26. Last evaluated: 2023-08-14. Review status: criteria provided, single submitter. Criteria: Invitae Variant Classification Sherloc (09022015). Collection method: clinical testing. Allele origin: germline.
Comment: This sequence change creates a premature translational stop signal (p.Val1824Hisfs*2) in the FLNC gene. It is expected to result in an absent or disrupted protein product. Loss-of-function variants in FLNC are known to be pathogenic (PMID: 27908349). This variant is not present in population databases (gnomAD no frequency). This variant has not been reported in the literature in individuals affected with FLNC-related conditions. ClinVar contains an entry for this variant (Variation ID: 845598). Algorithms developed to predict the effect of sequence changes on RNA splicing suggest that this variant may disrupt the consensus splice site. For these reasons, this variant has been classified as Pathogenic.

Literature cited by the submitters: PubMed 27908349.